The following is an entry in ClinVar:

ClinVar aggregate classification (germline): Uncertain significance (1 of 4 stars; one submission).

Conditions:
Inborn genetic diseases. Identifiers: MedGen C0950123, MeSH D030342.

Submission:

Ambry Genetics
Classification: Uncertain significance for Inborn genetic diseases. Last evaluated: 2025-08-10. Review status: criteria provided, single submitter. Criteria: Ambry Variant Classification Scheme 2023. Collection method: clinical testing. Allele origin: germline.
Comment: The p.Q408H variant (also known as c.1224G>C), located in coding exon 5 of the SH2B3 gene, results from a G to C substitution at nucleotide position 1224. The glutamine at codon 408 is replaced by histidine, an amino acid with highly similar properties. This amino acid position is conserved. In addition, this alteration is predicted to be tolerated by in silico analysis. Based on the available evidence, the clinical significance of this variant remains unclear.

NM_005475.3(SH2B3):c.1224G>C (p.Gln408His)

Gene: SH2B3 (SH2B adaptor protein 3; plus strand). Cytogenetic location: 12q24.12.
Variant type: single nucleotide variant.
Coding change: c.1224G>C on transcript NM_005475.3 (MANE Select); coding-DNA position 1224, G replaced by C.
Protein change: p.Gln408His; replaces glutamine 408 with histidine.
Molecular consequence: missense variant.
Genome position (GRCh38, 1-based): chr12:111,447,532, G>C. VCF-style: chr12-111447532-G-C. GRCh37 (hg19) VCF-style: chr12-111885336-G-C.
Other names: c.618G>C, p.Gln206His (NM_001291424.1); short protein forms Q206H, Q408H.
Identifiers: ClinVar variation 4163985 (VCV004163985.1).
Genomic context (GRCh38, chr12:111,447,532, plus strand): 5'-GTTCCTGGTGCGGCAGAGCGAGACGCGGCGTGGGGAATACGTGCTCACTTTCAACTTTCA[G>C]GGGATAGCCAAGGTATGGGGTGGGGTGGGGTGGGGTGGGGCAGGCAGGACCGTGCCACCC-3'
Protein context (NP_005466.1, residues 398-418): RGEYVLTFNF[Gln408His]GIAKHLRLSL